The following is an entry in ClinVar:

ClinVar aggregate classification (germline): Pathogenic (1 of 4 stars; one submission).

Conditions:
Hereditary nonpolyposis colorectal neoplasms. Identifiers: MedGen C0009405, MeSH D003123.

Submission:

Labcorp Genetics (formerly Invitae), Labcorp
Classification: Pathogenic for Hereditary nonpolyposis colorectal neoplasms. Last evaluated: 2018-10-05. Review status: criteria provided, single submitter. Criteria: Invitae Variant Classification Sherloc (09022015). Collection method: clinical testing. Allele origin: germline.
Comment: This sequence change replaces asparagine with serine at codon 775 and replaces tryptophan with a stop at codon 776 of the PMS2 gene (p.Asn775_Trp776delinsSer*). The asparagine residue at codon 775 is highly conserved and there is a small physicochemical difference between asparagine and serine. This change also creates a premature translational stop signal at codon 776 in the PMS2 gene which is expected to result in an absent or disrupted protein product. The frequency data for this variant in the population databases (ExAC) is considered unreliable due to the presence of homologous sequence, such as pseudogenes or paralogs, in the genome. This variant has not been reported in the literature in individuals with PMS2-related disease. ClinVar contains an entry for this variant (Variation ID: 525809). Loss-of-function variants in PMS2 are known to be pathogenic (PMID: 21376568, 24362816). For these reasons, this variant has been classified as Pathogenic.

Literature cited by the submitters: PubMed 21376568; PubMed 24362816.

NM_000535.7(PMS2):c.2324_2328delinsGCTGA (p.Asn775_Trp776delinsSerTer)

Gene: PMS2 (PMS1 homolog 2, mismatch repair system component; minus strand). Cytogenetic location: 7p22.1.
Variant type: Indel.
Coding change: c.2324_2328delinsGCTGA on transcript NM_000535.7 (MANE Select); coding-DNA positions 2324 to 2328, ACTGG replaced by GCTGA.
Protein change: p.Asn775_Trp776delinsSerTer.
Molecular consequence: nonsense. On other transcripts: non-coding transcript variant (1).
Genome position (GRCh38, 1-based): chr7:5,977,705-5,977,709, CCAGT replaced by TCAGC on the plus strand (ACTGG replaced by GCTGA on the coding strand, the reverse complement: PMS2 is on the minus strand). VCF-style: chr7-5977705-CCAGT-TCAGC. GRCh37 (hg19) VCF-style: chr7-6017336-CCAGT-TCAGC.
Other names: c.1919_1923delinsGCTGA, p.Asn640_Trp641delinsSerTer (NM_001322003.2, NM_001322004.2, NM_001322005.2); c.2168_2172delinsGCTGA, p.Asn723_Trp724delinsSerTer (NM_001322006.2); c.2006_2010delinsGCTGA, p.Asn669_Trp670delinsSerTer (NM_001322007.2, NM_001322008.2); c.1952_1956delinsGCTGA, p.Asn651_Trp652delinsSerTer (NM_001322009.2); c.1763_1767delinsGCTGA, p.Asn588_Trp589delinsSerTer (NM_001322010.2); c.1391_1395delinsGCTGA, p.Asn464_Trp465delinsSerTer (NM_001322011.2, NM_001322012.2); c.1751_1755delinsGCTGA, p.Asn584_Trp585delinsSerTer (NM_001322013.2); c.2357_2361delinsGCTGA, p.Asn786_Trp787delinsSerTer (NM_001322014.2); and 1 more.
Identifiers: ClinVar variation 525809 (VCV000525809.6), dbSNP rs1554293959, ClinGen allele CA658796883.